The following is an entry in ClinVar:

ClinVar aggregate classification (germline): Uncertain significance. Review status: criteria provided, multiple submitters, no conflicts (2 of 4 stars). 2 submissions from 2 submitters: Uncertain significance (2). Last evaluated 2023-06-29.

Conditions:
Charcot-Marie-Tooth disease type 4. Also called: Charcot-Marie-Tooth, Type 4; Charcot-Marie-Tooth disease, type IV. Identifiers: Orphanet 64749, MedGen C4082197, MONDO:0018995.
Charcot-Marie-Tooth disease. Also called: Charcot-Marie-Tooth Hereditary Neuropathy; Charcot-Marie-Tooth Neuropathy. Identifiers: Orphanet 166, MedGen C0007959, MONDO:0015626.

Allele frequency attached by ClinVar (database versions not stated): gnomAD exomes 0.00001.
gnomAD v4.1: 16 of 1,613,622 alleles (0.00099%); highest among the groups gnomAD compares: Non-Finnish European, 0.0014%; no homozygotes.

Submissions (2):

Labcorp Genetics (formerly Invitae), Labcorp
Classification: Uncertain significance for Charcot-Marie-Tooth disease type 4. Last evaluated: 2023-06-29. Review status: criteria provided, single submitter. Criteria: Invitae Variant Classification Sherloc (09022015). Collection method: clinical testing. Allele origin: germline.
Comment: This sequence change replaces serine, which is neutral and polar, with threonine, which is neutral and polar, at codon 436 of the SH3TC2 protein (p.Ser436Thr). This variant is not present in population databases (gnomAD no frequency). This missense change has been observed in individual(s) with Charcot-Marie-Tooth disease (PMID: 26392352, 32376792). ClinVar contains an entry for this variant (Variation ID: 917192). Advanced modeling of protein sequence and biophysical properties (such as structural, functional, and spatial information, amino acid conservation, physicochemical variation, residue mobility, and thermodynamic stability) performed at Invitae indicates that this missense variant is not expected to disrupt SH3TC2 protein function. In summary, the available evidence is currently insufficient to determine the role of this variant in disease. Therefore, it has been classified as a Variant of Uncertain Significance.

Molecular Genetics Laboratory, London Health Sciences Centre
Classification: Uncertain significance for Charcot-Marie-Tooth disease. Review status: criteria provided, single submitter. Criteria: ACMG Guidelines, 2015. Collection method: clinical testing. Allele origin: germline. Affected: yes.

Literature cited by the submitters: PubMed 26392352 (cited by Labcorp Genetics (formerly Invitae), Labcorp); PubMed 32376792 (cited by Labcorp Genetics (formerly Invitae), Labcorp).

NM_024577.4(SH3TC2):c.1306T>A (p.Ser436Thr)

Gene: SH3TC2 (SH3 domain and tetratricopeptide repeats 2; minus strand). Cytogenetic location: 5q32.
Variant type: single nucleotide variant.
Coding change: c.1306T>A on transcript NM_024577.4 (MANE Select); coding-DNA position 1306, T replaced by A.
Protein change: p.Ser436Thr; replaces serine 436 with threonine.
Molecular consequence: missense variant.
Genome position (GRCh38, 1-based): chr5:149,028,426, A>T on the plus strand (T>A on the coding strand, the complement: SH3TC2 is on the minus strand). VCF-style: chr5-149028426-A-T. GRCh37 (hg19) VCF-style: chr5-148407989-A-T.
Other names: short protein forms S436T.
Identifiers: ClinVar variation 917192 (VCV000917192.9), dbSNP rs1754119445, ClinGen allele CA361669215.